The following is an entry in ClinVar:

NM_003072.5(SMARCA4):c.296G>T (p.Arg99Leu)

Gene: SMARCA4 (SWI/SNF related BAF chromatin remodeling complex subunit ATPase 4; plus strand). Cytogenetic location: 19p13.2.
Variant type: single nucleotide variant.
Coding change: c.296G>T on transcript NM_003072.5 (MANE Select); coding-DNA position 296, G replaced by T.
Protein change: p.Arg99Leu; replaces arginine 99 with leucine.
Molecular consequence: missense variant. On other transcripts: non-coding transcript variant (1).
Genome position (GRCh38, 1-based): chr19:10,985,346, G>T. VCF-style: chr19-10985346-G-T. GRCh37 (hg19) VCF-style: chr19-11096022-G-T.
Other names: c.296G>T, p.Arg99Leu (NM_001128844.3, NM_001128845.2, NM_001128846.2 and 6 more transcripts); short protein forms R99L.
Identifiers: ClinVar variation 3446009 (VCV003446009.1).

ClinVar aggregate classification (germline): Uncertain significance (1 of 4 stars; one submission).

Conditions:
Hereditary cancer-predisposing syndrome. Also called: Tumor predisposition; Neoplastic Syndromes, Hereditary; Hereditary neoplastic syndrome; Hereditary Cancer Syndrome. Identifiers: Orphanet 140162, MedGen C0027672, MeSH D009386, MONDO:0015356.

gnomAD v4.1: 1 of 1,614,068 alleles (0.000062%); highest among the groups gnomAD compares: Non-Finnish European, 0.000085%; no homozygotes.

Submission:

Ambry Genetics
Classification: Uncertain significance for Hereditary cancer-predisposing syndrome. Last evaluated: 2024-10-05. Review status: criteria provided, single submitter. Criteria: Ambry Variant Classification Scheme 2023. Collection method: clinical testing. Allele origin: germline.
Comment: The p.R99L variant (also known as c.296G>T), located in coding exon 2 of the SMARCA4 gene, results from a G to T substitution at nucleotide position 296. The arginine at codon 99 is replaced by leucine, an amino acid with dissimilar properties. This amino acid position is conserved. In addition, this alteration is predicted to be deleterious by in silico analysis. Based on the available evidence, the clinical significance of this variant remains unclear.